The following is an entry in ClinVar:

NM_080911.3(UNG):c.487C>G (p.His163Asp)

Gene: UNG (uracil DNA glycosylase; plus strand). Cytogenetic location: 12q24.11.
Variant type: single nucleotide variant.
Coding change: c.487C>G on transcript NM_080911.3 (MANE Select); coding-DNA position 487, C replaced by G.
Protein change: p.His163Asp; replaces histidine 163 with aspartic acid.
Molecular consequence: missense variant.
Genome position (GRCh38, 1-based): chr12:109,101,953, C>G. VCF-style: chr12-109101953-C-G. GRCh37 (hg19) VCF-style: chr12-109539758-C-G.
Other names: c.460C>G, p.His154Asp (NM_003362.4); c.487C>G (NM_080911.2); short protein forms H154D, H163D.
Identifiers: ClinVar variation 1001450 (VCV001001450.6), dbSNP rs1188727621, ClinGen allele CA386471687.
Genomic context (GRCh38, chr12:109,101,953, plus strand): 5'-GGTTCACAGGTGAAGGTTGTCATCCTGGGACAGGATCCATATCATGGACCTAATCAAGCT[C>G]ACGGGCTCTGCTTTAGTGTTCAAAGGCCTGTTCCGCCTCCGCCCAGGTACAGTTGCTTTA-3'
Protein context (NP_550433.1, residues 153-173): QDPYHGPNQA[His163Asp]GLCFSVQRPV

ClinVar aggregate classification (germline): Uncertain significance. Review status: criteria provided, multiple submitters, no conflicts (2 of 4 stars). 2 submissions from 2 submitters: Uncertain significance (2). Last evaluated 2024-01-09.

Conditions:
Hyper-IgM syndrome type 5 (HIGM5). Also called: Hyper-IgM Immunodeficiency Syndrome, Type 5. Identifiers: Orphanet 101092, MedGen C1720958, MONDO:0011971, OMIM 608106.

Allele frequency attached by ClinVar (database versions not stated): gnomAD exomes 0.00001.
gnomAD v4.1: 5 of 1,613,976 alleles (0.00031%); highest among the groups gnomAD compares: Admixed American, 0.0083%; no homozygotes.

Submissions (2):

Ambry Genetics
Classification: Uncertain significance. Last evaluated: 2024-01-09. Review status: criteria provided, single submitter. Criteria: Ambry Variant Classification Scheme 2023. Collection method: clinical testing. Allele origin: germline.

Labcorp Genetics (formerly Invitae), Labcorp
Classification: Uncertain significance for Hyper-IgM syndrome type 5. Last evaluated: 2021-09-01. Review status: criteria provided, single submitter. Criteria: Invitae Variant Classification Sherloc (09022015). Collection method: clinical testing. Allele origin: germline.
Comment: This sequence change replaces histidine with aspartic acid at codon 163 of the UNG protein (p.His163Asp). The histidine residue is highly conserved and there is a moderate physicochemical difference between histidine and aspartic acid. This variant is not present in population databases (ExAC no frequency). This variant has not been reported in the literature in individuals affected with UNG-related conditions. Algorithms developed to predict the effect of missense changes on protein structure and function are either unavailable or do not agree on the potential impact of this missense change (SIFT: "Deleterious"; PolyPhen-2: "Probably Damaging"; Align-GVGD: "Class C0"). In summary, the available evidence is currently insufficient to determine the role of this variant in disease. Therefore, it has been classified as a Variant of Uncertain Significance.